The following is an entry in ClinVar:

ClinVar aggregate classification (germline): Uncertain significance. Review status: criteria provided, multiple submitters, no conflicts (2 of 4 stars). 2 submissions from 2 submitters: Uncertain significance (2). Last evaluated 2024-10-10.

Conditions:
Combined immunodeficiency due to MALT1 deficiency. Also called: Immunodeficiency 12. Identifiers: Orphanet 397964, MedGen C3809583, MONDO:0014197, OMIM 615468.

Allele frequency attached by ClinVar (database versions not stated): TOPMed 0.00017; gnomAD 0.00020; gnomAD exomes 0.00022 and 0.00023; ExAC 0.00027; ESP Exome Variant Server 0.00038.
gnomAD v4.1: 364 of 1,613,954 alleles (0.023%); highest among the groups gnomAD compares: Non-Finnish European, 0.029%; no homozygotes.

Submissions (2):

Blueprint Genetics
Classification: Uncertain significance. Last evaluated: 2024-10-10. Review status: criteria provided, single submitter. Criteria: ACMG Guidelines, 2015. Collection method: clinical testing. Allele origin: germline.

Labcorp Genetics (formerly Invitae), Labcorp
Classification: Uncertain significance for Combined immunodeficiency due to MALT1 deficiency. Last evaluated: 2022-10-24. Review status: criteria provided, single submitter. Criteria: Invitae Variant Classification Sherloc (09022015). Collection method: clinical testing. Allele origin: germline.
Comment: This sequence change replaces alanine, which is neutral and non-polar, with threonine, which is neutral and polar, at codon 791 of the MALT1 protein (p.Ala791Thr). This variant is present in population databases (rs146335154, gnomAD 0.04%). This variant has not been reported in the literature in individuals affected with MALT1-related conditions. ClinVar contains an entry for this variant (Variation ID: 839574). Algorithms developed to predict the effect of missense changes on protein structure and function output the following: SIFT: "Tolerated"; PolyPhen-2: "Benign"; Align-GVGD: "Class C0". The threonine amino acid residue is found in multiple mammalian species, which suggests that this missense change does not adversely affect protein function. In summary, the available evidence is currently insufficient to determine the role of this variant in disease. Therefore, it has been classified as a Variant of Uncertain Significance.

NM_006785.4(MALT1):c.2371G>A (p.Ala791Thr)

Gene: MALT1 (MALT1 paracaspase; plus strand). Cytogenetic location: 18q21.32.
Variant type: single nucleotide variant.
Coding change: c.2371G>A on transcript NM_006785.4 (MANE Select); coding-DNA position 2371, G replaced by A.
Protein change: p.Ala791Thr; replaces alanine 791 with threonine.
Molecular consequence: missense variant.
Genome position (GRCh38, 1-based): chr18:58,747,738, G>A. VCF-style: chr18-58747738-G-A. GRCh37 (hg19) VCF-style: chr18-56414970-G-A.
Other names: c.2338G>A, p.Ala780Thr (NM_173844.3); short protein forms A791T, A780T.
Identifiers: ClinVar variation 839574 (VCV000839574.6), dbSNP rs146335154, ClinGen allele CA8978099.